The following is an entry in ClinVar:

ClinVar aggregate classification (germline): Benign. Review status: criteria provided, multiple submitters, no conflicts (2 of 4 stars). 9 submissions from 9 submitters: Benign (6). 3 of the submissions do not count toward it. Last evaluated 2026-02-04.

Conditions:
SYNE2-related disorder. Also called: SYNE2-related condition.
Emery-Dreifuss muscular dystrophy 5, autosomal dominant (EDMD5). Also called: EMERY-DREIFUSS MUSCULAR DYSTROPHY 5. Identifiers: Orphanet 261, MedGen C2751805, MONDO:0013072, OMIM 612999.

Allele frequency attached by ClinVar (database versions not stated): ExAC 0.00987; gnomAD 0.03038 and 0.03281; ESP Exome Variant Server 0.03138; TOPMed 0.03392; 1000 Genomes Project 0.03594; 1000 Genomes Project 30x 0.03810.
gnomAD v4.1: 9,367 of 1,613,540 alleles (0.58%); highest among the groups gnomAD compares: African/African-American, 11%; 487 homozygotes.

Submissions (9):

Labcorp Genetics (formerly Invitae), Labcorp
Classification: Benign for Emery-Dreifuss muscular dystrophy 5, autosomal dominant. Last evaluated: 2026-02-04. Review status: criteria provided, single submitter. Criteria: Invitae Variant Classification Sherloc (09022015). Collection method: clinical testing. Allele origin: germline.

Athena Diagnostics
Classification: Benign. Last evaluated: 2025-02-24. Review status: criteria provided, single submitter. Criteria: Athena Diagnostics Criteria. Collection method: clinical testing. Allele origin: unknown.
Comment: The frequency of this variant in the general population is higher than would generally be expected for pathogenic variants in this gene.

GeneDx
Classification: Benign. Last evaluated: 2018-07-09. Review status: criteria provided, single submitter. Criteria: GeneDx Variant Classification Process June 2021. Collection method: clinical testing. Allele origin: germline. Affected: yes.

Illumina Laboratory Services, Illumina
Classification: Benign for Emery-Dreifuss muscular dystrophy 5, autosomal dominant. Last evaluated: 2018-01-12. Review status: criteria provided, single submitter. Criteria: ICSL Variant Classification Criteria 13 December 2019. Collection method: clinical testing. Allele origin: germline.
Comment: This variant was observed in the ICSL laboratory as part of a predisposition screen in an ostensibly healthy population. It had not been previously curated by ICSL or reported in the Human Gene Mutation Database (HGMD: prior to June 1st, 2018), and was therefore a candidate for classification through an automated scoring system. Utilizing variant allele frequency, disease prevalence and penetrance estimates, and inheritance mode, an automated score was calculated to assess if this variant is too frequent to cause the disease. Based on the score and internal cut-off values, a variant classified as benign is not then subjected to further curation. The score for this variant resulted in a classification of benign for this disease.

Genome Diagnostics Laboratory, University Medical Center Utrecht
Classification: Benign for Emery-Dreifuss muscular dystrophy 5, autosomal dominant. Last evaluated: 2016-04-07. Review status: criteria provided, single submitter. Criteria: ACGS Guidelines, 2013. Collection method: clinical testing. Allele origin: germline. Affected: yes. Study: VKGL Data-share Consensus.

Breakthrough Genomics
Classification: Benign. Review status: criteria provided, single submitter. Criteria: ACMG Guidelines, 2015. Collection method: not provided. Allele origin: germline. Inheritance: Autosomal dominant inheritance. Affected: yes.

PreventionGenetics, part of Exact Sciences
Classification: Benign for SYNE2-related condition. Last evaluated: 2020-02-19. Review status: no assertion criteria provided. Collection method: clinical testing. Allele origin: germline. Not counted in ClinVar's aggregate classification.
Comment: This variant is classified as benign based on ACMG/AMP sequence variant interpretation guidelines (Richards et al. 2015 PMID: 25741868, with internal and published modifications).

Clinical Genetics, Academic Medical Center
Classification: Benign. Review status: no assertion criteria provided. Collection method: clinical testing. Allele origin: germline. Affected: yes. Study: VKGL Data-share Consensus. Not counted in ClinVar's aggregate classification.

Genetic Services Laboratory, University of Chicago
Classification: Likely benign for AllHighlyPenetrant. Review status: no assertion criteria provided. Collection method: clinical testing. Allele origin: germline. Inheritance: Autosomal dominant inheritance. Not counted in ClinVar's aggregate classification.
Comment: Likely benign based on allele frequency in 1000 Genomes Project or ESP global frequency and its presence in a patient with a rare or unrelated disease phenotype. NOT Sanger confirmed.

NM_182914.3(SYNE2):c.3559A>C (p.Ile1187Leu)

Gene: SYNE2 (spectrin repeat containing nuclear envelope protein 2; plus strand). Cytogenetic location: 14q23.2.
Variant type: single nucleotide variant.
Coding change: c.3559A>C on transcript NM_182914.3 (MANE Select); coding-DNA position 3559, A replaced by C.
Protein change: p.Ile1187Leu; replaces isoleucine 1187 with leucine.
Molecular consequence: missense variant.
Genome position (GRCh38, 1-based): chr14:64,000,640, A>C. VCF-style: chr14-64000640-A-C. GRCh37 (hg19) VCF-style: chr14-64467358-A-C.
Other names: c.3559A>C, p.Ile1187Leu (NM_015180.6); short protein forms I1187L.
Identifiers: ClinVar variation 130495 (VCV000130495.28), dbSNP rs57259697, ClinGen allele CA155575.
Genomic context (GRCh38, chr14:64,000,640, plus strand): 5'-GATGCTCGCTGGAAAGAGTTTGAAATTATTTCATTGAAGTTAGAAAATCATGTGAATGAC[A>C]TAAAAAAGCCTTTTGTAATTAAGGAAAGAGACACACTAAAGGAAAGAGAAAGAGAGCTTC-3'
Protein context (NP_878918.2, residues 1177-1197): SLKLENHVND[Ile1187Leu]KKPFVIKERD